The following is an entry in ClinVar:

NM_001430.5(EPAS1):c.2287+8G>A

Gene: EPAS1 (endothelial PAS domain protein 1; plus strand). Cytogenetic location: 2p21.
Variant type: single nucleotide variant.
Coding change: c.2287+8G>A on transcript NM_001430.5 (MANE Select); 8 bases into the intron after coding-DNA position 2287, G replaced by A.
Molecular consequence: intron variant.
Genome position (GRCh38, 1-based): chr2:46,382,097, G>A. VCF-style: chr2-46382097-G-A. GRCh37 (hg19) VCF-style: chr2-46609236-G-A.
Identifiers: ClinVar variation 2650873 (VCV002650873.26), dbSNP rs765366810, ClinGen allele CA1645287.
Genomic context (GRCh38, chr2:46,382,097, plus strand): 5'-TGGGAGCTGCCCTTTGATGCCGGACAAGCCACTGAGCGCAAATGTACCCAATGGTGAGCA[G>A]CGGCCACAGGCCTGGGCCTCCTGGGGGTTCTGGTGGAAGGACTGGGGCTCGGGAGCCCAT-3'

ClinVar aggregate classification (germline): Conflicting classifications of pathogenicity. Review status: criteria provided, conflicting classifications (1 of 4 stars). 2 submissions from 2 submitters: Uncertain significance (1); Likely benign (1). Last evaluated 2024-06-11.

Allele frequency attached by ClinVar (database versions not stated): ExAC 0.00002; gnomAD 0.00003; TOPMed 0.00003; gnomAD exomes 0.00006.

Submissions (2):

Labcorp Genetics (formerly Invitae), Labcorp
Classification: Likely benign. Last evaluated: 2024-06-11. Review status: criteria provided, single submitter. Criteria: Invitae Variant Classification Sherloc (09022015). Collection method: clinical testing. Allele origin: germline.

CeGaT Center for Human Genetics Tuebingen
Classification: Uncertain significance. Last evaluated: 2023-04-01. Review status: criteria provided, single submitter. Criteria: CeGaT Center For Human Genetics Tuebingen Variant Classification Criteria Version 2. Collection method: clinical testing. Allele origin: germline. Affected: yes. Observed: 1 variant allele.
Comment: EPAS1: PM2:Supporting, BP4